The following is an entry in ClinVar:

ClinVar aggregate classification (germline): Benign/Likely benign. Review status: criteria provided, multiple submitters, no conflicts (2 of 4 stars). 3 submissions from 3 submitters: Benign (1); Likely benign (2). Last evaluated 2026-02-01.

Conditions:
VWF-related disorder. Also called: VWF-related condition; VWF-related disorders.

Allele frequency attached by ClinVar (database versions not stated): 1000 Genomes Project 0.00060; ESP Exome Variant Server 0.00077; 1000 Genomes Project 30x 0.00078.
gnomAD v4.1: 503 of 1,614,056 alleles (0.031%); highest among the groups gnomAD compares: African/African-American, 0.31%; 2 homozygotes.

Submissions (3):

PreventionGenetics, part of Exact Sciences
Classification: Likely benign for VWF-related condition. Last evaluated: 2026-02-01. Review status: criteria provided, single submitter. Criteria: ACMG Guidelines, 2015. Collection method: clinical testing. Allele origin: germline.
Comment: This variant is classified as likely benign based on ACMG/AMP sequence variant interpretation guidelines (Richards et al. 2015 PMID: 25741868, with internal and published modifications).

Blueprint Genetics
Classification: Likely benign. Last evaluated: 2024-09-11. Review status: criteria provided, single submitter. Criteria: ACMG Guidelines, 2015. Collection method: clinical testing. Allele origin: germline.

Women's Health and Genetics/Laboratory Corporation of America, LabCorp
Classification: Benign. Last evaluated: 2024-04-02. Review status: criteria provided, single submitter. Criteria: LabCorp Variant Classification Summary - May 2015. Collection method: clinical testing. Allele origin: germline.
Comment: Variant summary: VWF c.7377C>T results in a synonymous change. Consensus agreement among computation tools predict no significant impact on normal splicing. However, these predictions have yet to be confirmed by functional studies. The variant allele was found at a frequency of 0.00035 in 251284 control chromosomes, predominantly at a frequency of 0.0031 within the African or African-American subpopulation in the gnomAD database, including 1 homozygote. To our knowledge, no occurrence of c.7377C>T in individuals affected with Von Willebrand Disease and no experimental evidence demonstrating its impact on protein function have been reported. No submitters have cited clinical-significance assessments for this variant to ClinVar. Based on the evidence outlined above, the variant was classified as benign.

NM_000552.5(VWF):c.7377C>T (p.Ala2459=)

Gene: VWF (von Willebrand factor; minus strand). Cytogenetic location: 12p13.31.
Variant type: single nucleotide variant.
Coding change: c.7377C>T on transcript NM_000552.5 (MANE Select); coding-DNA position 7377, C replaced by T.
Protein change: p.Ala2459=; no amino-acid change (alanine 2459 retained).
Molecular consequence: synonymous variant.
Genome position (GRCh38, 1-based): chr12:5,976,171, G>A on the plus strand (C>T on the coding strand, the complement: VWF is on the minus strand). VCF-style: chr12-5976171-G-A. GRCh37 (hg19) VCF-style: chr12-6085337-G-A.
Other names: c.7377C>T (NM_000552.4).
Identifiers: ClinVar variation 3251588 (VCV003251588.3), dbSNP rs142452106.